The following is an entry in ClinVar:

ClinVar aggregate classification (germline): Uncertain significance (1 of 4 stars; one submission).

Allele frequency attached by ClinVar (database versions not stated): gnomAD exomes below 0.00001.
gnomAD v4.1: 2 of 1,011,061 alleles (0.0002%); highest among the groups gnomAD compares: Non-Finnish European, 0.00025%; no homozygotes.

Submission:

Greenwood Genetic Center Diagnostic Laboratories, Greenwood Genetic Center
Classification: Uncertain significance. Last evaluated: 2022-06-10. Review status: criteria provided, single submitter. Criteria: ACMG Guidelines, 2015. Collection method: clinical testing. Allele origin: germline. Affected: yes.
Comment: PM2

NM_004085.4(TIMM8A):c.132+451C>T

Gene: TIMM8A (translocase of inner mitochondrial membrane 8A; minus strand). Cytogenetic location: Xq22.1.
Variant type: single nucleotide variant.
Coding change: c.132+451C>T on transcript NM_004085.4 (MANE Select); 451 bases into the intron after coding-DNA position 132, C replaced by T.
Molecular consequence: intron variant. On other transcripts: 3 prime UTR variant (1).
Genome position (GRCh38, 1-based): chrX:101,348,082, G>A on the plus strand (C>T on the coding strand, the complement: TIMM8A is on the minus strand). VCF-style: chrX-101348082-G-A. GRCh37 (hg19) VCF-style: chrX-100603070-G-A.
Other names: c.*305C>T (NM_001145951.2).
Identifiers: ClinVar variation 1703101 (VCV001703101.3), dbSNP rs2520480417, ClinGen allele CA2580100126.
Genomic context (GRCh38, chrX:101,348,082, plus strand): 5'-AAAGCAAATAAGTATGTACGTTGGAAGAGATTACACCACTTTTATAGTTACTGGGCTGGA[G>A]CCACTCATTTTTCAGCGGAGAGGGTTAGAACTGGGTAATGAAGGTAAATCCCGAGGAGTC-3'